The following is an entry in ClinVar:

ClinVar aggregate classification (germline): Uncertain significance (1 of 4 stars; one submission).

gnomAD v4.1: 1 of 1,613,868 alleles (0.000062%); highest among the groups gnomAD compares: East Asian, 0.0022%; no homozygotes.

Submission:

Quest Diagnostics Nichols Institute San Juan Capistrano
Classification: Uncertain significance. Last evaluated: 2025-08-13. Review status: criteria provided, single submitter. Criteria: Quest Diagnostics criteria. Collection method: clinical testing. Allele origin: unknown.
Comment: The BRCA2 c.2810A>G (p.Gln937Arg) variant has not been reported in individuals with BRCA2-related conditions in the published literature. This variant also has not been reported in large, multi-ethnic general populations (Genome Aggregation Database). Analysis of this variant using bioinformatics tools for the prediction of the effect of amino acid changes on protein structure and function yielded predictions that this variant is benign. Based on the available information, we are unable to determine the clinical significance of this variant.

NM_000059.4(BRCA2):c.2810A>G (p.Gln937Arg)

Gene: BRCA2 (BRCA2 DNA repair associated; plus strand). Cytogenetic location: 13q13.1.
Variant type: single nucleotide variant.
Coding change: c.2810A>G on transcript NM_000059.4 (MANE Select); coding-DNA position 2810, A replaced by G.
Protein change: p.Gln937Arg; replaces glutamine 937 with arginine.
Molecular consequence: missense variant. On other transcripts: non-coding transcript variant (1), intron variant (2).
Genome position (GRCh38, 1-based): chr13:32,337,165, A>G. VCF-style: chr13-32337165-A-G. GRCh37 (hg19) VCF-style: chr13-32911302-A-G.
Other names: c.2810A>G, p.Gln937Arg (NM_001406719.1, NM_001406720.1, NM_001432077.1); c.1909+3778A>G (NM_001406721.1); c.424+6135A>G (NM_001406722.1); short protein forms Q937R.
Identifiers: ClinVar variation 4532822 (VCV004532822.1).